The following is an entry in ClinVar:

NM_001384140.1(PCDH15):c.1105C>T (p.Gln369Ter)

Gene: PCDH15 (protocadherin related 15; minus strand). Cytogenetic location: 10q21.1.
Variant type: single nucleotide variant.
Coding change: c.1105C>T on transcript NM_001384140.1 (MANE Select); coding-DNA position 1105, C replaced by T.
Protein change: p.Gln369Ter; replaces glutamine 369 with a stop codon.
Molecular consequence: nonsense.
Genome position (GRCh38, 1-based): chr10:54,195,883, G>A on the plus strand (C>T on the coding strand, the complement: PCDH15 is on the minus strand). VCF-style: chr10-54195883-G-A. GRCh37 (hg19) VCF-style: chr10-55955643-G-A.
Other names: c.1120C>T, p.Gln374Ter (NM_001142763.2, NM_001142769.4, NM_001142771.2); c.1105C>T, p.Gln369Ter (NM_001142764.2, NM_001142765.2, NM_001142766.2 and 7 more transcripts); c.994C>T, p.Gln332Ter (NM_001142767.2); c.1039C>T, p.Gln347Ter (NM_001142768.2, NM_001142773.2, NM_001354404.2); short protein forms Q332*, Q347*, Q369*, Q374*.
Identifiers: ClinVar variation 1726674 (VCV001726674.2), dbSNP rs753408470, ClinGen allele CA376519834.

ClinVar aggregate classification (germline): Likely pathogenic (1 of 4 stars; one submission).

Conditions:
Usher syndrome type 1D (USH1D). Also called: USHER SYNDROME, TYPE ID. Identifiers: Orphanet 231169, Orphanet 886, MedGen C1832845, MONDO:0010984, OMIM 601067.

Submission:

Myriad Genetics, Inc.
Classification: Likely pathogenic for Usher syndrome type 1D. Last evaluated: 2021-12-16. Review status: criteria provided, single submitter. Criteria: Myriad Women's Health Autosomal Recessive and X-Linked Classification Criteria (2021). Collection method: clinical testing. Allele origin: unknown.
Comment: NM_033056.3(PCDH15):c.1105C>T(Q369*) is expected to be pathogenic in the context of PCDH15-related disorders. This variant is predicted to lead to an abnormal or absent protein product due to the creation of a premature termination codon in PCDH15, a gene where loss-of-function variants are known to be pathogenic. Please note: this variant was assessed in the context of healthy population screening.